The following is an entry in ClinVar:

ClinVar aggregate classification (germline): Uncertain significance (1 of 4 stars; one submission).

Submission:

Athena Diagnostics
Classification: Uncertain significance. Last evaluated: 2024-02-19. Review status: criteria provided, single submitter. Criteria: Athena Diagnostics Criteria. Collection method: clinical testing. Allele origin: unknown.
Comment: Available data are insufficient to determine the clinical significance of the variant at this time. The frequency of this variant in the general population is uninformative in assessment of its pathogenicity. Computational tools yielded predictions that this variant is unlikely to have an effect on normal RNA splicing.

NM_001127222.2(CACNA1A):c.7267_7275del (p.Ser2423_Gly2425del)

Gene: CACNA1A (calcium voltage-gated channel subunit alpha1 A; minus strand). Cytogenetic location: 19p13.13.
Variant type: Deletion.
Coding change: c.7267_7275del on transcript NM_001127222.2 (MANE Select); coding-DNA positions 7267 to 7275, 9 bases deleted (AGCGGGGGC; older notation c.7267_7275delAGCGGGGGC).
Protein change: p.Ser2423_Gly2425del.
Molecular consequence: 3 prime UTR variant (on NM_000068.4).
Genome position (GRCh38, 1-based): chr19:13,207,559-13,207,567, GCCCCCGCT deleted on the plus strand (AGCGGGGGC on the coding strand, the reverse complement: CACNA1A is on the minus strand); deleting any 9 consecutive bases within chr19:13,207,559-13,207,571 gives the same sequence; the c. name uses the placement nearest the transcript's 3' end. VCF-style (leftmost placement, unchanged base first): chr19-13207558-CGCCCCCGCT-C. GRCh37 (hg19) VCF-style: chr19-13318372-CGCCCCCGCT-C.
Other names: c.*479_*487del (NM_000068.4, NM_001127221.2, NM_001174080.2); c.7285_7293del, p.Ser2429_Gly2431del (NM_023035.3).
Identifiers: ClinVar variation 3571935 (VCV003571935.1).